The following is an entry in ClinVar:

NM_017654.4(SAMD9):c.457A>G (p.Arg153Gly)

Gene: SAMD9 (sterile alpha motif domain containing 9; minus strand). Cytogenetic location: 7q21.2.
Variant type: single nucleotide variant.
Coding change: c.457A>G on transcript NM_017654.4 (MANE Select); coding-DNA position 457, A replaced by G.
Protein change: p.Arg153Gly; replaces arginine 153 with glycine.
Molecular consequence: missense variant.
Genome position (GRCh38, 1-based): chr7:93,105,641, T>C on the plus strand (A>G on the coding strand, the complement: SAMD9 is on the minus strand). VCF-style: chr7-93105641-T-C. GRCh37 (hg19) VCF-style: chr7-92734954-T-C.
Other names: c.457A>G, p.Arg153Gly (NM_001193307.2); short protein forms R153G.
Identifiers: ClinVar variation 1314034 (VCV001314034.8), dbSNP rs368510205, ClinGen allele CA4343142.

ClinVar aggregate classification (germline): Uncertain significance. Review status: criteria provided, multiple submitters, no conflicts (2 of 4 stars). 3 submissions from 3 submitters: Uncertain significance (3). Last evaluated 2025-12-30.

Conditions:
Inborn genetic diseases. Identifiers: MedGen C0950123, MeSH D030342.

Allele frequency attached by ClinVar (database versions not stated): gnomAD 0.00001; gnomAD exomes 0.00001; ESP Exome Variant Server 0.00008; ExAC 0.00002; TOPMed 0.00001.
gnomAD v4.1: 9 of 1,614,042 alleles (0.00056%); highest among the groups gnomAD compares: Non-Finnish European, 0.00076%; no homozygotes.

Submissions (3):

Labcorp Genetics (formerly Invitae), Labcorp
Classification: Uncertain significance. Last evaluated: 2025-12-30. Review status: criteria provided, single submitter. Criteria: Invitae Variant Classification Sherloc (09022015). Collection method: clinical testing. Allele origin: germline.
Comment: This sequence change replaces arginine, which is basic and polar, with glycine, which is neutral and non-polar, at codon 153 of the SAMD9 protein (p.Arg153Gly). This variant is present in population databases (rs368510205, gnomAD 0.003%). This variant has not been reported in the literature in individuals affected with SAMD9-related conditions. ClinVar contains an entry for this variant (Variation ID: 1314034). Invitae Evidence Modeling of protein sequence and biophysical properties (such as structural, functional, and spatial information, amino acid conservation, physicochemical variation, residue mobility, and thermodynamic stability) indicates that this missense variant is not expected to disrupt SAMD9 protein function with a negative predictive value of 95%. In summary, the available evidence is currently insufficient to determine the role of this variant in disease. Therefore, it has been classified as a Variant of Uncertain Significance.

Ambry Genetics
Classification: Uncertain significance for Inborn genetic diseases. Last evaluated: 2025-03-08. Review status: criteria provided, single submitter. Criteria: Ambry Variant Classification Scheme 2023. Collection method: clinical testing. Allele origin: germline.
Comment: The p.R153G variant (also known as c.457A>G), located in coding exon 1 of the SAMD9 gene, results from an A to G substitution at nucleotide position 457. The arginine at codon 153 is replaced by glycine, an amino acid with dissimilar properties. This amino acid position is conserved. In addition, this alteration is predicted to be tolerated by in silico analysis. Based on the available evidence, the clinical significance of this variant remains unclear.

GeneDx
Classification: Uncertain significance. Last evaluated: 2021-01-22. Review status: criteria provided, single submitter. Criteria: GeneDx Variant Classification Process June 2021. Collection method: clinical testing. Allele origin: germline. Affected: yes.
Comment: Not observed at a significant frequency in large population cohorts (Lek et al., 2016); In silico analysis supports that this missense variant does not alter protein structure/function; Has not been previously published as pathogenic or benign to our knowledge